The following is an entry in ClinVar:

ClinVar aggregate classification (germline): Likely pathogenic (1 of 4 stars; one submission).

Submission:

Labcorp Genetics (formerly Invitae), Labcorp
Classification: Likely pathogenic. Last evaluated: 2023-04-14. Review status: criteria provided, single submitter. Criteria: Invitae Variant Classification Sherloc (09022015). Collection method: clinical testing. Allele origin: germline.
Comment: This sequence change affects an acceptor splice site in intron 3 of the SLC25A3 gene. It is expected to disrupt RNA splicing. Variants that disrupt the donor or acceptor splice site typically lead to a loss of protein function (PMID: 16199547), and loss-of-function variants in SLC25A3 are known to be pathogenic (PMID: 17273968, 21763135). In summary, the currently available evidence indicates that the variant is pathogenic, but additional data are needed to prove that conclusively. Therefore, this variant has been classified as Likely Pathogenic. Algorithms developed to predict the effect of sequence changes on RNA splicing suggest that this variant may disrupt the consensus splice site. This variant has not been reported in the literature in individuals affected with SLC25A3-related conditions. This variant is not present in population databases (gnomAD no frequency).

Literature cited by the submitters: PubMed 16199547; PubMed 17273968; PubMed 21763135.

NM_002635.4(SLC25A3):c.280-1G>C

Gene: SLC25A3 (solute carrier family 25 member 3; plus strand). Cytogenetic location: 12q23.1.
Variant type: single nucleotide variant.
Coding change: c.280-1G>C on transcript NM_002635.4 (MANE Select); the canonical splice acceptor site of the intron before coding-DNA position 280, G replaced by C.
Molecular consequence: splice acceptor variant.
Genome position (GRCh38, 1-based): chr12:98,597,855, G>C. VCF-style: chr12-98597855-G-C. GRCh37 (hg19) VCF-style: chr12-98991633-G-C.
Other names: c.280-1G>C (NM_213611.3); c.283-1G>C (NM_005888.4).
Identifiers: ClinVar variation 2837960 (VCV002837960.3), dbSNP rs2548528154, ClinGen allele CA386165561.